The following is an entry in ClinVar:

ClinVar aggregate classification (germline): Likely pathogenic (1 of 4 stars; one submission).

Conditions:
Autosomal recessive limb-girdle muscular dystrophy type 2J (LGMDR10). Also called: Limb-girdle muscular dystrophy, type 2J; MUSCULAR DYSTROPHY, LIMB-GIRDLE, AUTOSOMAL RECESSIVE 10. Identifiers: Orphanet 140922, MedGen C1837342, MONDO:0012127, OMIM 608807.
Dilated cardiomyopathy 1G (CMD1G). Identifiers: Orphanet 154, MedGen C1858763, MONDO:0011400, OMIM 604145.

Submission:

Labcorp Genetics (formerly Invitae), Labcorp
Classification: Likely pathogenic for Dilated cardiomyopathy 1G; Autosomal recessive limb-girdle muscular dystrophy type 2J. Last evaluated: 2025-12-17. Review status: criteria provided, single submitter. Criteria: Invitae Variant Classification Sherloc (09022015). Collection method: clinical testing. Allele origin: germline.
Comment: This sequence change creates a premature translational stop signal (p.Ala33337Leufs*12) in the TTN gene. While this is not anticipated to result in nonsense mediated decay, it is expected to create a truncated TTN protein. This variant is not present in population databases (gnomAD no frequency). This variant has not been reported in the literature in individuals affected with TTN-related conditions. This variant is located in the A band of TTN (PMID: 25589632). Truncating variants in this region are significantly overrepresented in patients affected with dilated cardiomyopathy (PMID: 25589632). Truncating variants in this region have also been reported in individuals affected with autosomal recessive centronuclear myopathy (PMID: 23975875). In summary, the currently available evidence indicates that the variant is pathogenic, but additional data are needed to prove that conclusively. Therefore, this variant has been classified as Likely Pathogenic.

Literature cited by the submitters: PubMed 25589632; PubMed 23975875.

NM_001267550.2(TTN):c.100009del (p.Ala33337fs)

Genes: TTN-AS1 (TTN antisense RNA 1; plus strand), TTN (titin; minus strand), LOC126806420 (BRD4-independent group 4 enhancer GRCh37_chr2:179401104-179402303; plus strand). Cytogenetic location: 2q31.2.
Variant type: Deletion.
Coding change: c.100009del on transcript NM_001267550.2 (MANE Select); coding-DNA position 100009, one base deleted (G; older notation c.100009delG).
Protein change: p.Ala33337fs; shifts the reading frame from alanine 33337.
Molecular consequence: frameshift variant.
Genome position (GRCh38, 1-based): chr2:178,537,100, C deleted on the plus strand (G on the coding strand, the reverse complement: TTN is on the minus strand); the first of 5 consecutive C bases (chr2:178,537,100-178,537,104); deleting any one gives the same sequence. VCF-style (leftmost placement, unchanged base first): chr2-178537099-GC-G. GRCh37 (hg19) VCF-style: chr2-179401826-GC-G.
Other names: c.95086del, p.Ala31696fs (NM_001256850.1); c.72814del, p.Ala24272fs (NM_003319.4); c.92305del, p.Ala30769fs (NM_133378.4); c.73189del, p.Ala24397fs (NM_133432.3); c.73390del, p.Ala24464fs (NM_133437.4); short protein forms A24272fs, A30769fs, A31696fs, A24397fs, A24464fs, A33337fs.
Identifiers: ClinVar variation 4787003 (VCV004787003.1).